The following is an entry in ClinVar:

ClinVar aggregate classification (germline): Likely benign (1 of 4 stars; one submission).

Allele frequency attached by ClinVar (database versions not stated): 1000 Genomes Project 0.00300; 1000 Genomes Project 30x 0.00312; TOPMed 0.00889; gnomAD 0.00994 and 0.01038; gnomAD exomes 0.01122.
gnomAD v4.1: 3,909 of 364,036 alleles (1.1%); highest among the groups gnomAD compares: Non-Finnish European, 1.4%; 37 homozygotes.

Submission:

GeneDx
Classification: Likely benign. Last evaluated: 2018-06-14. Review status: criteria provided, single submitter. Criteria: GeneDx Variant Classification (06012015). Collection method: clinical testing. Allele origin: germline. Affected: yes.
Comment: This variant is considered likely benign or benign based on one or more of the following criteria: it is a conservative change, it occurs at a poorly conserved position in the protein, it is predicted to be benign by multiple in silico algorithms, and/or has population frequency not consistent with disease.

NM_001005242.3(PKP2):c.1840-298T>A

Gene: PKP2 (plakophilin 2; minus strand). Cytogenetic location: 12p11.21.
Variant type: single nucleotide variant.
Coding change: c.1840-298T>A on transcript NM_001005242.3 (MANE Select); 298 bases into the intron before coding-DNA position 1840, T replaced by A.
Molecular consequence: intron variant.
Genome position (GRCh38, 1-based): chr12:32,821,827, A>T on the plus strand (T>A on the coding strand, the complement: PKP2 is on the minus strand). VCF-style: chr12-32821827-A-T. GRCh37 (hg19) VCF-style: chr12-32974761-A-T.
Other names: c.1972-298T>A (NM_004572.4).
Identifiers: ClinVar variation 669438 (VCV000669438.1), dbSNP rs144871177, ClinGen allele CA235238319.
Genomic context (GRCh38, chr12:32,821,827, plus strand): 5'-GAGAGAAAATTCAGAGAATTAAGCATAGGTCATTCTAGAATGGTTTTCAGGCTGCTGTTG[A>T]GCTAAAAGCTAAATTAGTCACAACCACCCTGTAGATAAGAAAAACAGGCCTGTTCCCTCA-3'